The following is an entry in ClinVar:

NM_025153.3(ATP10B):c.2595C>A (p.Asn865Lys)

Gene: ATP10B (ATPase phospholipid transporting 10B (putative); minus strand). Cytogenetic location: 5q34.
Variant type: single nucleotide variant.
Coding change: c.2595C>A on transcript NM_025153.3 (MANE Select); coding-DNA position 2595, C replaced by A.
Protein change: p.Asn865Lys; replaces asparagine 865 with lysine.
Molecular consequence: missense variant.
Genome position (GRCh38, 1-based): chr5:160,615,896, G>T on the plus strand (C>A on the coding strand, the complement: ATP10B is on the minus strand). VCF-style: chr5-160615896-G-T. GRCh37 (hg19) VCF-style: chr5-160042903-G-T.
Other names: c.2595C>A, p.Asn865Lys (NM_001366652.1, NM_001366655.1); c.2559C>A, p.Asn853Lys (NM_001366657.1); c.2511C>A, p.Asn837Lys (NM_001410822.1); short protein forms N837K, N853K, N865K.
Identifiers: ClinVar variation 2656014 (VCV002656014.24), dbSNP rs61734665, ClinGen allele CA3542447.

ClinVar aggregate classification (germline): Benign (1 of 4 stars; one submission).

Allele frequency attached by ClinVar (database versions not stated): 1000 Genomes Project 30x 0.00874; 1000 Genomes Project 0.00938; ESP Exome Variant Server 0.01697.
gnomAD v4.1: 32,437 of 1,613,870 alleles (2%); highest among the groups gnomAD compares: Middle Eastern, 3.9%; 370 homozygotes.

Submission:

CeGaT Center for Human Genetics Tuebingen
Classification: Benign. Last evaluated: 2023-01-01. Review status: criteria provided, single submitter. Criteria: CeGaT Center For Human Genetics Tuebingen Variant Classification Criteria Version 2. Collection method: clinical testing. Allele origin: germline. Affected: yes. Observed: 1 variant allele.
Comment: ATP10B: BS1, BS2